The following is an entry in ClinVar:

ClinVar aggregate classification (germline): Pathogenic (1 of 4 stars; one submission).

Submission:

Labcorp Genetics (formerly Invitae), Labcorp
Classification: Pathogenic. Last evaluated: 2025-09-25. Review status: criteria provided, single submitter. Criteria: Invitae Variant Classification Sherloc (09022015). Collection method: clinical testing. Allele origin: germline.
Comment: This sequence change creates a premature translational stop signal (p.Glu1348Argfs*3) in the ALPK3 gene. It is expected to result in an absent or disrupted protein product. Loss-of-function variants in ALPK3 are known to be pathogenic (PMID: 21441111, 26846950, 27106955, 34263907). This variant is not present in population databases (gnomAD no frequency). This variant has not been reported in the literature in individuals affected with ALPK3-related conditions. ClinVar contains an entry for this variant (Variation ID: 2040087). For these reasons, this variant has been classified as Pathogenic.

Literature cited by the submitters: PubMed 21441111; PubMed 26846950; PubMed 27106955; PubMed 34263907.

NM_020778.5(ALPK3):c.3432del (p.Glu1146fs)

Gene: ALPK3 (alpha kinase 3; plus strand). Cytogenetic location: 15q25.3.
Variant type: Deletion.
Coding change: c.3432del on transcript NM_020778.5 (MANE Select); coding-DNA position 3432, one base deleted (A; older notation c.3432delA).
Protein change: p.Glu1146fs; shifts the reading frame from glutamic acid 1146.
Molecular consequence: frameshift variant.
Genome position (GRCh38, 1-based): chr15:84,858,170, A deleted. VCF-style (leftmost placement, unchanged base first): chr15-84858169-CA-C. GRCh37 (hg19) VCF-style: chr15-85401400-CA-C.
Other names: short protein forms E1146fs.
Identifiers: ClinVar variation 2040087 (VCV002040087.4), dbSNP rs1963891935, ClinGen allele CA2192391745.